The following is an entry in ClinVar:

NM_006389.5(HYOU1):c.293G>T (p.Arg98Leu)

Gene: HYOU1 (hypoxia up-regulated 1; minus strand). Cytogenetic location: 11q23.3.
Variant type: single nucleotide variant.
Coding change: c.293G>T on transcript NM_006389.5 (MANE Select); coding-DNA position 293, G replaced by T.
Protein change: p.Arg98Leu; replaces arginine 98 with leucine.
Molecular consequence: missense variant.
Genome position (GRCh38, 1-based): chr11:119,055,311, C>A on the plus strand (G>T on the coding strand, the complement: HYOU1 is on the minus strand). VCF-style: chr11-119055311-C-A. GRCh37 (hg19) VCF-style: chr11-118926023-C-A.
Other names: c.293G>T, p.Arg98Leu (NM_001130991.3, NM_001411041.1); short protein forms R98L.
Identifiers: ClinVar variation 2091184 (VCV002091184.4), dbSNP rs150918294, ClinGen allele CA382953246.

ClinVar aggregate classification (germline): Uncertain significance (1 of 4 stars; one submission).

Submission:

Labcorp Genetics (formerly Invitae), Labcorp
Classification: Uncertain significance. Last evaluated: 2022-01-31. Review status: criteria provided, single submitter. Criteria: Invitae Variant Classification Sherloc (09022015). Collection method: clinical testing. Allele origin: germline.
Comment: In summary, the available evidence is currently insufficient to determine the role of this variant in disease. Therefore, it has been classified as a Variant of Uncertain Significance. Algorithms developed to predict the effect of missense changes on protein structure and function are either unavailable or do not agree on the potential impact of this missense change (SIFT: "Not Available"; PolyPhen-2: "Benign"; Align-GVGD: "Not Available"). This variant has not been reported in the literature in individuals affected with HYOU1-related conditions. This variant is not present in population databases (gnomAD no frequency). This sequence change replaces arginine, which is basic and polar, with leucine, which is neutral and non-polar, at codon 98 of the HYOU1 protein (p.Arg98Leu).